The following is an entry in ClinVar:

ClinVar aggregate classification (germline): Uncertain significance. Review status: criteria provided, multiple submitters, no conflicts (2 of 4 stars). 3 submissions from 3 submitters: Uncertain significance (3). Last evaluated 2022-10-17.

Conditions:
Cortical dysplasia-focal epilepsy syndrome (PTHSL1). Also called: Pitt-Hopkins-like syndrome 1. Identifiers: Orphanet 163681, Orphanet 221150, MedGen C2750246, MONDO:0012400, OMIM 610042.
Inborn genetic diseases. Identifiers: MedGen C0950123, MeSH D030342.

Allele frequency attached by ClinVar (database versions not stated): gnomAD 0.00001; gnomAD exomes 0.00001 and 0.00004; 1000 Genomes Project 30x 0.00016; 1000 Genomes Project 0.00020; ExAC 0.00002; TOPMed 0.00004.
gnomAD v4.1: 22 of 1,614,094 alleles (0.0014%); highest among the groups gnomAD compares: African/African-American, 0.0093%; no homozygotes.

Submissions (3):

Labcorp Genetics (formerly Invitae), Labcorp
Classification: Uncertain significance for Cortical dysplasia-focal epilepsy syndrome. Last evaluated: 2022-10-17. Review status: criteria provided, single submitter. Criteria: Invitae Variant Classification Sherloc (09022015). Collection method: clinical testing. Allele origin: germline.
Comment: This sequence change replaces arginine, which is basic and polar, with glutamine, which is neutral and polar, at codon 1095 of the CNTNAP2 protein (p.Arg1095Gln). This variant is present in population databases (rs535562015, gnomAD 0.04%). This variant has not been reported in the literature in individuals affected with CNTNAP2-related conditions. ClinVar contains an entry for this variant (Variation ID: 578782). Algorithms developed to predict the effect of missense changes on protein structure and function (SIFT, PolyPhen-2, Align-GVGD) all suggest that this variant is likely to be tolerated. In summary, the available evidence is currently insufficient to determine the role of this variant in disease. Therefore, it has been classified as a Variant of Uncertain Significance.

Ambry Genetics
Classification: Uncertain significance for Inborn genetic diseases. Last evaluated: 2022-02-09. Review status: criteria provided, single submitter. Criteria: Ambry Variant Classification Scheme 2023. Collection method: clinical testing. Allele origin: germline.

Neuberg Centre For Genomic Medicine, NCGM
Classification: Uncertain significance for Cortical dysplasia-focal epilepsy syndrome. Review status: criteria provided, single submitter. Criteria: ACMG Guidelines, 2015. Collection method: clinical testing. Allele origin: germline. Inheritance: Autosomal recessive inheritance. Affected: yes.

NM_014141.6(CNTNAP2):c.3284G>A (p.Arg1095Gln)

Gene: CNTNAP2 (contactin associated protein 2; plus strand). Cytogenetic location: 7q36.1.
Variant type: single nucleotide variant.
Coding change: c.3284G>A on transcript NM_014141.6 (MANE Select); coding-DNA position 3284, G replaced by A.
Protein change: p.Arg1095Gln; replaces arginine 1095 with glutamine.
Molecular consequence: missense variant.
Genome position (GRCh38, 1-based): chr7:148,229,682, G>A. VCF-style: chr7-148229682-G-A. GRCh37 (hg19) VCF-style: chr7-147926774-G-A.
Other names: short protein forms R1095Q.
Identifiers: ClinVar variation 578782 (VCV000578782.10), dbSNP rs535562015, ClinGen allele CA4546608.